The following is an entry in ClinVar:

NM_001161352.2(KCNMA1):c.1870G>A (p.Val624Met)

Gene: KCNMA1 (potassium calcium-activated channel subfamily M alpha 1; minus strand). Cytogenetic location: 10q22.3.
Variant type: single nucleotide variant.
Coding change: c.1870G>A on transcript NM_001161352.2 (MANE Select); coding-DNA position 1870, G replaced by A.
Protein change: p.Val624Met; replaces valine 624 with methionine.
Molecular consequence: missense variant.
Genome position (GRCh38, 1-based): chr10:77,027,881, C>T on the plus strand (G>A on the coding strand, the complement: KCNMA1 is on the minus strand). VCF-style: chr10-77027881-C-T. GRCh37 (hg19) VCF-style: chr10-78787639-C-T.
Other names: c.1870G>A, p.Val624Met (NM_001014797.3, NM_001161353.2, NM_001271519.2 and 7 more transcripts); c.1708G>A, p.Val570Met (NM_001271518.2); c.1330G>A, p.Val444Met (NM_001322838.2); short protein forms V444M, V570M, V624M.
Identifiers: ClinVar variation 1304520 (VCV001304520.2), dbSNP rs2153527454, ClinGen allele CA377409792.

ClinVar aggregate classification (germline): Uncertain significance (1 of 4 stars; one submission).

gnomAD v4.1: 1 of 1,613,732 alleles (0.000062%); highest among the groups gnomAD compares: Non-Finnish European, 0.000085%; no homozygotes.

Submission:

GeneDx
Classification: Uncertain significance. Last evaluated: 2019-01-29. Review status: criteria provided, single submitter. Criteria: GeneDx Variant Classification Process June 2021. Collection method: clinical testing. Allele origin: germline. Affected: yes.
Comment: Has not been previously published as pathogenic or benign to our knowledge; Not observed in large population cohorts (Lek et al., 2016); In silico analysis, which includes protein predictors and evolutionary conservation, supports that this variant does not alter protein structure/function